The following is an entry in ClinVar:

NM_014363.6(SACS):c.5629C>T (p.Arg1877Ter)

Gene: SACS (sacsin molecular chaperone; minus strand). Cytogenetic location: 13q12.12.
Variant type: single nucleotide variant.
Coding change: c.5629C>T on transcript NM_014363.6 (MANE Select); coding-DNA position 5629, C replaced by T.
Protein change: p.Arg1877Ter; replaces arginine 1877 with a stop codon.
Molecular consequence: nonsense.
Genome position (GRCh38, 1-based): chr13:23,338,247, G>A on the plus strand (C>T on the coding strand, the complement: SACS is on the minus strand). VCF-style: chr13-23338247-G-A. GRCh37 (hg19) VCF-style: chr13-23912386-G-A.
Other names: c.5188C>T, p.Arg1730Ter (NM_001278055.2); short protein forms R1877*, R1730*.
Identifiers: ClinVar variation 371545 (VCV000371545.15), dbSNP rs761089024, ClinGen allele CA6911218.
Genomic context (GRCh38, chr13:23,338,247, plus strand): 5'-TCCTATTTGATGTAACAGCAAAGCACCCATTGATATGAACTGGCAAGCCTGTTTTTATTC[G>A]TAAAGGTAAATAGCAAAACACCTCTCCAATGTGTGGTTTCACTGTCCACTTCTGGTCCTG-3'

ClinVar aggregate classification (germline): Pathogenic/Likely pathogenic. Review status: criteria provided, multiple submitters, no conflicts (2 of 4 stars). 8 submissions from 8 submitters: Pathogenic (2); Likely pathogenic (4). 2 of the submissions do not count toward it. Last evaluated 2025-12-31.

Conditions:
Spastic paraplegia. Identifiers: MedGen C0037772, HP:0001258.
Hereditary spastic paraplegia. Also called: Familial spastic paraparesis. Identifiers: Orphanet 685, MedGen C0037773, MONDO:0019064. Disease mechanism: loss of function.
Charlevoix-Saguenay spastic ataxia (SACS). Also called: SPASTIC ATAXIA 6, AUTOSOMAL RECESSIVE; AUTOSOMAL RECESSIVE SPASTIC ATAXIA OF CHARLEVOIX-SAGUENAY; Spastic ataxia of Charlevoix-Saguenay. Identifiers: Orphanet 98, MedGen C1849140, MONDO:0010041, OMIM 270550.

Allele frequency attached by ClinVar (database versions not stated): gnomAD exomes below 0.00001 and 0.00001; TOPMed below 0.00001; ExAC 0.00001; gnomAD 0.00001.
gnomAD v4.1: 6 of 1,613,884 alleles (0.00037%); highest among the groups gnomAD compares: East Asian, 0.0022%; no homozygotes.

Submissions (8):

Labcorp Genetics (formerly Invitae), Labcorp
Classification: Pathogenic for Spastic paraplegia. Last evaluated: 2025-12-31. Review status: criteria provided, single submitter. Criteria: Invitae Variant Classification Sherloc (09022015). Collection method: clinical testing. Allele origin: germline.
Comment: This sequence change creates a premature translational stop signal (p.Arg1877*) in the SACS gene. While this is not anticipated to result in nonsense mediated decay, it is expected to disrupt the last 2703 amino acid(s) of the SACS protein. This variant is present in population databases (rs761089024, gnomAD 0.005%). This premature translational stop signal has been observed in individual(s) with clinical features of spastic ataxia (PMID: 20852969). ClinVar contains an entry for this variant (Variation ID: 371545). This variant disrupts a region of the SACS protein in which other variant(s) (p.Tyr4538*) have been determined to be pathogenic (internal data). This suggests that this is a clinically significant region of the protein, and that variants that disrupt it are likely to be disease-causing. For these reasons, this variant has been classified as Pathogenic.

Fulgent Genetics
Classification: Likely pathogenic for Charlevoix-Saguenay spastic ataxia. Last evaluated: 2024-06-12. Review status: criteria provided, single submitter. Criteria: ACMG Guidelines, 2015. Collection method: clinical testing. Allele origin: germline.

Baylor Genetics
Classification: Pathogenic for Charlevoix-Saguenay spastic ataxia. Last evaluated: 2022-05-29. Review status: criteria provided, single submitter. Criteria: ACMG Guidelines, 2015. Collection method: clinical testing. Allele origin: unknown.

PROSPAX: an integrated multimodal progression  chart in spastic ataxias, Center for Neurology; Hertie-Institute for Clinical Brain Research
Classification: Likely pathogenic for Charlevoix-Saguenay spastic ataxia. Last evaluated: 2022-01-01. Review status: criteria provided, single submitter. Criteria: ACMG Guidelines, 2015. Collection method: research. Allele origin: germline. Affected: yes.
Comment: Variant seen in compound het: [c.5629C>T;c.11353_11354delAG]

Genome-Nilou Lab
Classification: Likely pathogenic for Charlevoix-Saguenay spastic ataxia. Last evaluated: 2021-09-05. Review status: criteria provided, single submitter. Criteria: ACMG Guidelines, 2015. Collection method: clinical testing. Allele origin: germline. Affected: no.

Juno Genomics, Hangzhou Juno Genomics, Inc
Classification: Likely pathogenic for Charlevoix-Saguenay spastic ataxia. Review status: criteria provided, single submitter. Criteria: ACMG Guidelines, 2015. Collection method: clinical testing. Allele origin: germline.
Comment: Absent from controls (or at extremely low frequency if recessive) in Genome Aggregation Database.;Null variant in a gene where loss of function (LOF) is a known mechanism of disease.;For recessive disorders, detected in trans with a pathogenic variant.

Counsyl
Classification: Likely pathogenic for Charlevoix-Saguenay spastic ataxia. Last evaluated: 2016-10-12. Review status: no assertion criteria provided. Collection method: clinical testing. Allele origin: unknown. Not counted in ClinVar's aggregate classification.

Unit for Genetic & Epidemiological Research on Neurological Disorders, Instituto de Investigação e Inovação em Saúde
Classification: Uncertain significance for Hereditary spastic paraplegia. Last evaluated: 2017-03-07. Review status: flagged submission. Criteria: Morais et al. (Eur J Hum Genet. 2017). Collection method: research. Allele origin: unknown. Affected: yes. Not counted in ClinVar's aggregate classification.
ClinVar note: Reason: Outlier claim with insufficient supporting evidence

Literature cited by the submitters: PubMed 20852969 (cited by Labcorp Genetics (formerly Invitae), Labcorp and Counsyl).